The following is an entry in ClinVar:

ClinVar aggregate classification (germline): Uncertain significance. Review status: criteria provided, single submitter (1 of 4 stars). 2 submissions from 2 submitters: Uncertain significance (1). 1 of the submissions does not count toward it. Last evaluated 2022-03-26.

Conditions:
IFT74-related disorder. Also called: IFT74-Related Disorders; IFT74-related condition.

Allele frequency attached by ClinVar (database versions not stated): gnomAD exomes 0.00002; ExAC 0.00004.
gnomAD v4.1: 10 of 1,613,082 alleles (0.00062%); highest among the groups gnomAD compares: Admixed American, 0.017%; no homozygotes.

Submissions (2):

Labcorp Genetics (formerly Invitae), Labcorp
Classification: Uncertain significance. Last evaluated: 2022-03-26. Review status: criteria provided, single submitter. Criteria: Invitae Variant Classification Sherloc (09022015). Collection method: clinical testing. Allele origin: germline.
Comment: In summary, the available evidence is currently insufficient to determine the role of this variant in disease. Therefore, it has been classified as a Variant of Uncertain Significance. Algorithms developed to predict the effect of missense changes on protein structure and function are either unavailable or do not agree on the potential impact of this missense change (SIFT: "Tolerated"; PolyPhen-2: "Probably Damaging"; Align-GVGD: "Class C0"). This variant has not been reported in the literature in individuals affected with IFT74-related conditions. This variant is present in population databases (rs774488645, gnomAD 0.02%). This sequence change replaces lysine, which is basic and polar, with arginine, which is basic and polar, at codon 234 of the IFT74 protein (p.Lys234Arg).

PreventionGenetics, part of Exact Sciences
Classification: Uncertain significance for IFT74-related condition. Last evaluated: 2024-06-21. Review status: no assertion criteria provided. Collection method: clinical testing. Allele origin: germline. Not counted in ClinVar's aggregate classification.
Comment: The IFT74 c.701A>G variant is predicted to result in the amino acid substitution p.Lys234Arg. To our knowledge, this variant has not been reported in the literature. This variant is reported in 0.026% of alleles in individuals of Latino descent in gnomAD. At this time, the clinical significance of this variant is uncertain due to the absence of conclusive functional and genetic evidence.

NM_025103.4(IFT74):c.701A>G (p.Lys234Arg)

Gene: IFT74 (intraflagellar transport 74; plus strand). Cytogenetic location: 9p21.2.
Variant type: single nucleotide variant.
Coding change: c.701A>G on transcript NM_025103.4 (MANE Select); coding-DNA position 701, A replaced by G.
Protein change: p.Lys234Arg; replaces lysine 234 with arginine.
Molecular consequence: missense variant.
Genome position (GRCh38, 1-based): chr9:27,009,133, A>G. VCF-style: chr9-27009133-A-G. GRCh37 (hg19) VCF-style: chr9-27009131-A-G.
Other names: c.701A>G (NM_025103.2); c.701A>G, p.Lys234Arg (NM_001099222.3, NM_001099223.3, NM_001099224.3 and 1 more transcripts); short protein forms K234R.
Identifiers: ClinVar variation 2117885 (VCV002117885.5), dbSNP rs774488645, ClinGen allele CA5015351.